The following is an entry in ClinVar:

NM_001369.3(DNAH5):c.4867G>A (p.Glu1623Lys)

Genes: DNAH5 (dynein axonemal heavy chain 5; minus strand), LOC126807318 (MED14-independent group 3 enhancer GRCh37_chr5:13858976-13860175; plus strand). Cytogenetic location: 5p15.2.
Variant type: single nucleotide variant.
Coding change: c.4867G>A on transcript NM_001369.3 (MANE Select); coding-DNA position 4867, G replaced by A.
Protein change: p.Glu1623Lys; replaces glutamic acid 1623 with lysine.
Molecular consequence: missense variant.
Genome position (GRCh38, 1-based): chr5:13,859,535, C>T on the plus strand (G>A on the coding strand, the complement: DNAH5 is on the minus strand). VCF-style: chr5-13859535-C-T. GRCh37 (hg19) VCF-style: chr5-13859644-C-T.
Other names: short protein forms E1623K.
Identifiers: ClinVar variation 645552 (VCV000645552.11), dbSNP rs147339019, ClinGen allele CA3203855.

ClinVar aggregate classification (germline): Uncertain significance. Review status: criteria provided, multiple submitters, no conflicts (2 of 4 stars). 3 submissions from 3 submitters: Uncertain significance (2). 1 of the submissions does not count toward it. Last evaluated 2025-08-08.

Conditions:
Primary ciliary dyskinesia. Also called: Ciliary dyskinesia. Identifiers: Orphanet 244, MedGen C0008780, MONDO:0016575, HP:0012265.

Allele frequency attached by ClinVar (database versions not stated): ExAC 0.00002; gnomAD exomes 0.00004; gnomAD 0.00005; TOPMed 0.00005; ESP Exome Variant Server 0.00008.
gnomAD v4.1: 100 of 1,613,972 alleles (0.0062%); highest among the groups gnomAD compares: African/African-American, 0.011%; no homozygotes.

Submissions (3):

Ambry Genetics
Classification: Uncertain significance for Primary ciliary dyskinesia. Last evaluated: 2025-08-08. Review status: criteria provided, single submitter. Criteria: Ambry Variant Classification Scheme 2023. Collection method: clinical testing. Allele origin: germline.

Labcorp Genetics (formerly Invitae), Labcorp
Classification: Uncertain significance for Primary ciliary dyskinesia. Last evaluated: 2024-09-01. Review status: criteria provided, single submitter. Criteria: Invitae Variant Classification Sherloc (09022015). Collection method: clinical testing. Allele origin: germline.
Comment: This sequence change replaces glutamic acid, which is acidic and polar, with lysine, which is basic and polar, at codon 1623 of the DNAH5 protein (p.Glu1623Lys). This variant is present in population databases (rs147339019, gnomAD 0.007%). This variant has not been reported in the literature in individuals affected with DNAH5-related conditions. ClinVar contains an entry for this variant (Variation ID: 645552). Invitae Evidence Modeling of protein sequence and biophysical properties (such as structural, functional, and spatial information, amino acid conservation, physicochemical variation, residue mobility, and thermodynamic stability) has been performed for this missense variant. However, the output from this modeling did not meet the statistical confidence thresholds required to predict the impact of this variant on DNAH5 protein function. In summary, the available evidence is currently insufficient to determine the role of this variant in disease. Therefore, it has been classified as a Variant of Uncertain Significance.

Natera, Inc.
Classification: Uncertain significance for Primary ciliary dyskinesia. Last evaluated: 2020-07-28. Review status: no assertion criteria provided. Collection method: clinical testing. Allele origin: germline. Not counted in ClinVar's aggregate classification.